The following is an entry in ClinVar:

NM_000179.3(MSH6):c.3647-9_3647-5del

Gene: MSH6 (mutS homolog 6; plus strand). Cytogenetic location: 2p16.3.
Variant type: Deletion.
Coding change: c.3647-9_3647-5del on transcript NM_000179.3 (MANE Select); 9 bases into the intron before coding-DNA position 3647 through 5 bases into the intron before coding-DNA position 3647, 5 bases deleted (CTTTA; older notation c.3647-9_3647-5delCTTTA).
Molecular consequence: intron variant.
Genome position (GRCh38, 1-based): chr2:47,806,195-47,806,199, CTTTA deleted; deleting any 5 consecutive bases within chr2:47,806,191-47,806,199 gives the same sequence; the c. name uses the placement nearest the transcript's 3' end. VCF-style (leftmost placement, unchanged base first): chr2-47806190-TTTTAC-T. GRCh37 (hg19) VCF-style: chr2-48033329-TTTTAC-T.
Other names: c.3647-9_3647-5delCTTTA (NM_000179.2); c.2741-9_2741-5del (NM_001281493.2, NM_001281494.2); c.3257-9_3257-5del (NM_001281492.2).
Identifiers: ClinVar variation 508400 (VCV000508400.16), dbSNP rs759094365, ClinGen allele CA071705.
Genomic context (GRCh38, chr2:47,806,190, plus strand): 5'-AGCATTTTTGTTTTAATTCCTTTTTTGTTTTAATTCCTTTGAGTTACTTCCTTATGCATA[TTTTAC>T]TTTAACAGGAAGAGGTACTGCAACATTTGATGGGACGGCAATAGCAAATGCAGTTGTTAA-3'

ClinVar aggregate classification (germline): Conflicting classifications of pathogenicity. Review status: criteria provided, conflicting classifications (1 of 4 stars). 5 submissions from 5 submitters: Uncertain significance (2); Likely benign (3). Last evaluated 2025-02-11.

Conditions:
Hereditary nonpolyposis colorectal neoplasms. Identifiers: MedGen C0009405, MeSH D003123.
Hereditary cancer-predisposing syndrome. Also called: Hereditary neoplastic syndrome; Hereditary Cancer Syndrome; Neoplastic Syndromes, Hereditary; Tumor predisposition. Identifiers: Orphanet 140162, MedGen C0027672, MeSH D009386, MONDO:0015356.
Lynch syndrome. Identifiers: Orphanet 144, MedGen C4552100, MONDO:0005835. Disease mechanism: loss of function.

Submissions (5):

Labcorp Genetics (formerly Invitae), Labcorp
Classification: Likely benign for Hereditary nonpolyposis colorectal neoplasms. Last evaluated: 2025-02-11. Review status: criteria provided, single submitter. Criteria: Invitae Variant Classification Sherloc (09022015). Collection method: clinical testing. Allele origin: germline.

Molecular Diagnostics Laboratory, Catalan Institute of Oncology
Classification: Uncertain significance for Hereditary cancer-predisposing syndrome. Last evaluated: 2025-01-07. Review status: criteria provided, single submitter. Criteria: MMR VCEP Paper Draft V3.1. Collection method: clinical testing. Allele origin: germline.
Comment: PM2_Supporting, BP4 MSH6:c.3647-9_3647-5del is an intronic variant located close to a canonical splice site. This variant is found in 2/267906 alleles at a frequency of 0,0007% in the gnomAD v2.1.1 database, non-cancer dataset (PM2_supporting). The SpliceAI algorithm predicts no significant impact on splicing (BP4). To our knowledge, neither relevant clinical data nor well-established functional studies have been reported for this variant. This variant has been reported in the ClinVar database (3x likely benign), and has not been reported in the LOVD nor classified by InSiGHT. Based on currently available information, the variant c.3647-9_3647-5del should be considered an uncertain significance variant, according to MMR-specific InSIGHT Guidelines, Draft v3.1.

All of Us Research Program, National Institutes of Health
Classification: Uncertain significance for Lynch syndrome. Last evaluated: 2023-04-10. Review status: criteria provided, single submitter. Criteria: ACMG Guidelines, 2015. Collection method: clinical testing. Allele origin: germline. Inheritance: Autosomal dominant inheritance. Observed: 1 variant allele, 1 heterozygote.
Comment: This variant causes a deletion of 5 nucleotides at -5 to -9 positions in intron 7 of the MSH6 gene. To our knowledge, functional studies have not been reported for this variant. This variant has not been reported in individuals affected with MSH6-related disorders in the literature. This variant has been identified in 2/251016 chromosomes in the general population by the Genome Aggregation Database (gnomAD). The available evidence is insufficient to determine the role of this variant in disease conclusively. Therefore, this variant is classified as a Variant of Uncertain Significance.

This study involves interpretation of variants in research participants for the purpose of population health screening. Participant phenotype was not available at the time of variant classification. Additional details can be found in publication PMID: 35346344, PMCID: PMC8962531

Ambry Genetics
Classification: Likely benign for Hereditary cancer-predisposing syndrome. Last evaluated: 2023-01-03. Review status: criteria provided, single submitter. Criteria: Ambry Variant Classification Scheme 2023. Collection method: clinical testing. Allele origin: germline.

GeneDx
Classification: Likely benign. Last evaluated: 2017-03-27. Review status: criteria provided, single submitter. Criteria: GeneDx Variant Classification (06012015). Collection method: clinical testing. Allele origin: germline. Affected: yes.
Comment: This variant is considered likely benign or benign based on one or more of the following criteria: it is a conservative change, it occurs at a poorly conserved position in the protein, it is predicted to be benign by multiple in silico algorithms, and/or has population frequency not consistent with disease.